The following is an entry in ClinVar:

NM_000535.7(PMS2):c.964G>T (p.Val322Phe)

Gene: PMS2 (PMS1 homolog 2, mismatch repair system component; minus strand). Cytogenetic location: 7p22.1.
Variant type: single nucleotide variant.
Coding change: c.964G>T on transcript NM_000535.7 (MANE Select); coding-DNA position 964, G replaced by T.
Protein change: p.Val322Phe; replaces valine 322 with phenylalanine.
Molecular consequence: missense variant. On other transcripts: non-coding transcript variant (1).
Genome position (GRCh38, 1-based): chr7:5,991,997, C>A on the plus strand (G>T on the coding strand, the complement: PMS2 is on the minus strand). VCF-style: chr7-5991997-C-A. GRCh37 (hg19) VCF-style: chr7-6031628-C-A.
Other names: c.559G>T, p.Val187Phe (NM_001322003.2, NM_001322004.2, NM_001322005.2 and 2 more transcripts); c.964G>T, p.Val322Phe (NM_001322006.2, NM_001322014.2); c.646G>T, p.Val216Phe (NM_001322007.2, NM_001322008.2); c.31G>T, p.Val11Phe (NM_001322011.2, NM_001322012.2); c.391G>T, p.Val131Phe (NM_001322013.2); c.655G>T, p.Val219Phe (NM_001322015.2); short protein forms V11F, V131F, V187F, V322F, V216F, V219F.
Identifiers: ClinVar variation 930789 (VCV000930789.12), dbSNP rs587782208, ClinGen allele CA366743105.

ClinVar aggregate classification (germline): Uncertain significance. Review status: criteria provided, multiple submitters, no conflicts (2 of 4 stars). 3 submissions from 3 submitters: Uncertain significance (3). Last evaluated 2025-07-29.

Conditions:
Mismatch repair cancer syndrome 1 (MMRCS1). Also called: MISMATCH REPAIR DEFICIENCY; MMR DEFICIENCY; BRAIN TUMOR-POLYPOSIS SYNDROME 1; BTP1 SYNDROME; CHILDHOOD CANCER SYNDROME. Identifiers: Orphanet 252202, MedGen C5399763, MONDO:0010159, OMIM 276300. Disease mechanism: loss of function.
Hereditary nonpolyposis colorectal neoplasms. Identifiers: MedGen C0009405, MeSH D003123.
Hereditary cancer-predisposing syndrome. Also called: Neoplastic Syndromes, Hereditary; Hereditary Cancer Syndrome; Tumor predisposition; Hereditary neoplastic syndrome. Identifiers: Orphanet 140162, MedGen C0027672, MeSH D009386, MONDO:0015356.

Submissions (3):

Labcorp Genetics (formerly Invitae), Labcorp
Classification: Uncertain significance for Hereditary nonpolyposis colorectal neoplasms. Last evaluated: 2025-07-29. Review status: criteria provided, single submitter. Criteria: Invitae Variant Classification Sherloc (09022015). Collection method: clinical testing. Allele origin: germline.
Comment: This sequence change replaces valine, which is neutral and non-polar, with phenylalanine, which is neutral and non-polar, at codon 322 of the PMS2 protein (p.Val322Phe). This variant is not present in population databases (gnomAD no frequency). This variant has not been reported in the literature in individuals affected with PMS2-related conditions. ClinVar contains an entry for this variant (Variation ID: 930789). Invitae Evidence Modeling incorporating data from in vitro experimental studies (internal data) indicates that this missense variant is not expected to disrupt PMS2 function with a negative predictive value of 95%. In summary, the available evidence is currently insufficient to determine the role of this variant in disease. Therefore, it has been classified as a Variant of Uncertain Significance.

Ambry Genetics
Classification: Uncertain significance for Hereditary cancer-predisposing syndrome. Last evaluated: 2025-05-21. Review status: criteria provided, single submitter. Criteria: Ambry Variant Classification Scheme 2023. Collection method: clinical testing. Allele origin: germline.
Comment: The p.V322F variant (also known as c.964G>T), located in coding exon 9 of the PMS2 gene, results from a G to T substitution at nucleotide position 964. The valine at codon 322 is replaced by phenylalanine, an amino acid with highly similar properties. This amino acid position is not well conserved in available vertebrate species. In addition, this alteration is predicted to be deleterious by in silico analysis. Based on the available evidence, the clinical significance of this variant remains unclear.

Centre for Mendelian Genomics, University Medical Centre Ljubljana
Classification: Uncertain significance for Mismatch repair cancer syndrome 1. Last evaluated: 2019-10-17. Review status: criteria provided, single submitter. Criteria: ACMG Guidelines, 2015. Collection method: clinical testing. Allele origin: unknown. Affected: yes.
Comment: This variant was classified as: Uncertain significance. The available evidence on this variant's pathogenicity is insufficient or conflicting. The following ACMG criteria were applied in classifying this variant: PM2,PP3,BP1.